The following is an entry in ClinVar:

NM_003745.2(SOCS1):c.3G>A (p.Met1Ile)

Genes: SOCS1 (suppressor of cytokine signaling 1; minus strand), LOC130058479 (ATAC-STARR-seq lymphoblastoid silent region 7198; plus strand). Cytogenetic location: 16p13.13.
Variant type: single nucleotide variant.
Coding change: c.3G>A on transcript NM_003745.2 (MANE Select); coding-DNA position 3, G replaced by A.
Protein change: p.Met1Ile; changes the start codon (methionine 1).
Molecular consequence: missense variant, initiator codon variant.
Genome position (GRCh38, 1-based): chr16:11,255,476, C>T on the plus strand (G>A on the coding strand, the complement: SOCS1 is on the minus strand). VCF-style: chr16-11255476-C-T. GRCh37 (hg19) VCF-style: chr16-11349333-C-T.
Other names: short protein forms M1I.
Identifiers: ClinVar variation 3239012 (VCV003239012.19), dbSNP rs2511260094.

ClinVar aggregate classification (germline): Uncertain significance (1 of 4 stars; one submission).

Submission:

CeGaT Center for Human Genetics Tuebingen
Classification: Uncertain significance. Last evaluated: 2024-05-01. Review status: criteria provided, single submitter. Criteria: CeGaT Center For Human Genetics Tuebingen Variant Classification Criteria Version 2. Collection method: clinical testing. Allele origin: germline. Affected: yes. Observed: 1 variant allele.
Comment: SOCS1: PM2, PVS1:Moderate